The following is an entry in ClinVar:

ClinVar aggregate classification (germline): Uncertain significance. Review status: criteria provided, multiple submitters, no conflicts (2 of 4 stars). 2 submissions from 2 submitters: Uncertain significance (2). Last evaluated 2025-07-28.

Conditions:
Pyridoxine-dependent epilepsy (EPEO4). Also called: Pyridoxine-Dependent Epilepsy - ALDH7A1; PYRIDOXINE DEPENDENCY WITH SEIZURES; EPILEPSY, EARLY-ONSET, 4, VITAMIN B6-DEPENDENT; Pyridoxine-Dependent Seizures. Identifiers: Orphanet 3006, MedGen C1849508, MONDO:0009945, OMIM 266100. Disease mechanism: loss of function.

Submissions (2):

Labcorp Genetics (formerly Invitae), Labcorp
Classification: Uncertain significance for Pyridoxine-dependent epilepsy. Last evaluated: 2025-07-28. Review status: criteria provided, single submitter. Criteria: Invitae Variant Classification Sherloc (09022015). Collection method: clinical testing. Allele origin: germline.
Comment: This variant, c.759_761del, results in the deletion of 1 amino acid(s) of the ALDH7A1 protein (p.Gly254del), but otherwise preserves the integrity of the reading frame. This variant is not present in population databases (gnomAD no frequency). This variant has not been reported in the literature in individuals affected with ALDH7A1-related conditions. ClinVar contains an entry for this variant (Variation ID: 1309319). Experimental studies and prediction algorithms are not available or were not evaluated, and the functional significance of this variant is currently unknown. In summary, the available evidence is currently insufficient to determine the role of this variant in disease. Therefore, it has been classified as a Variant of Uncertain Significance.

GeneDx
Classification: Uncertain significance. Last evaluated: 2019-10-22. Review status: criteria provided, single submitter. Criteria: GeneDx Variant Classification Process June 2021. Collection method: clinical testing. Allele origin: germline. Affected: yes.
Comment: Not observed in large population cohorts (Lek et al., 2016); In-frame deletion of 1 amino acid in a non-repeat region; In silico analysis, which includes protein predictors and evolutionary conservation, supports a deleterious effect; Has not been previously published as pathogenic or benign to our knowledge

NM_001182.5(ALDH7A1):c.756TGG[1] (p.Gly254del)

Gene: ALDH7A1 (aldehyde dehydrogenase 7 family member A1; minus strand). Cytogenetic location: 5q23.2.
Variant type: Microsatellite.
Coding change: c.756TGG[1] on transcript NM_001182.5 (MANE Select); one copy of the 3-base unit TGG starting at c.756; the reference has two copies in a row; one copy, 3 bases deleted.
Protein change: p.Gly254del; deletes glycine 254.
Molecular consequence: inframe deletion.
Genome position (GRCh38, 1-based): chr5:126,570,794-126,570,796, CCA deleted on the plus strand (TGG on the coding strand, the reverse complement: ALDH7A1 is on the minus strand); deleting any 3 consecutive bases within chr5:126,570,794-126,570,800 gives the same sequence; the position shown is the placement nearest the transcript's 3' end. VCF-style (leftmost placement, unchanged base first): chr5-126570793-TCCA-T. GRCh37 (hg19) VCF-style: chr5-125906485-TCCA-T.
Other names: c.672TGG[1], p.Gly226del (NM_001201377.2); c.756TGG[1], p.Gly254del (NM_001202404.2); short protein forms G226del, G254del.
Identifiers: ClinVar variation 1309319 (VCV001309319.3), dbSNP rs2112785345, ClinGen allele CA2580613647.